The following is an entry in ClinVar:

NM_023067.4(FOXL2):c.310C>T (p.His104Tyr)

Gene: FOXL2 (forkhead box L2; minus strand). Cytogenetic location: 3q22.3.
Variant type: single nucleotide variant.
Coding change: c.310C>T on transcript NM_023067.4 (MANE Select); coding-DNA position 310, C replaced by T.
Protein change: p.His104Tyr; replaces histidine 104 with tyrosine.
Molecular consequence: missense variant.
Genome position (GRCh38, 1-based): chr3:138,946,413, G>A on the plus strand (C>T on the coding strand, the complement: FOXL2 is on the minus strand). VCF-style: chr3-138946413-G-A. GRCh37 (hg19) VCF-style: chr3-138665255-G-A.
Other names: short protein forms H104Y.
Identifiers: ClinVar variation 3236032 (VCV003236032.1), dbSNP rs2473814801, ClinGen allele CA354706817.

ClinVar aggregate classification (germline): Likely pathogenic (1 of 4 stars; one submission).

Conditions:
Blepharophimosis, ptosis, and epicanthus inversus syndrome. Identifiers: Orphanet 126, MedGen C0220663, MONDO:0007201, OMIM 110100.

Submission:

MVZ Medizinische Genetik Mainz
Classification: Likely pathogenic for Blepharophimosis, ptosis, and epicanthus inversus syndrome. Last evaluated: 2023-02-07. Review status: criteria provided, single submitter. Criteria: UK Practice Guidelines For Variant Classification V4 01 2020. Collection method: clinical testing. Allele origin: germline. Inheritance: Autosomal dominant inheritance. Affected: yes. Observed: 1 variant allele.
Comment: ACMG Criteria: PM1,PM5,PM2_SUP,PP3,PP4